The following is an entry in ClinVar:

ClinVar aggregate classification (germline): Likely benign. Review status: reviewed by expert panel (3 of 4 stars). 3 submissions from 3 submitters: Likely benign (1). 2 of the submissions do not count toward it. Last evaluated 2024-02-20.

Conditions:
Leber congenital amaurosis 2 (LCA2). Also called: Autosomal Recessive RPE65-Related Retinal Degeneration; AMAUROSIS CONGENITA OF LEBER II. Identifiers: Orphanet 65, MedGen C1859844, MONDO:0008765, OMIM 204100. Disease mechanism: loss of function.
Retinitis pigmentosa 20 (RP20). Identifiers: Orphanet 791, MedGen C3151086, MONDO:0013425, OMIM 613794.
RPE65-related recessive retinopathy. Also called: Recessive RPE65 retinopathy. Identifiers: MedGen CN305526, MONDO:0100368.

Allele frequency attached by ClinVar (database versions not stated): gnomAD 0.00001; TOPMed 0.00002; ExAC 0.00005; gnomAD exomes 0.00005 and 0.00007; ESP Exome Variant Server 0.00008.
gnomAD v4.1: 107 of 1,613,812 alleles (0.0066%); highest among the groups gnomAD compares: Non-Finnish European, 0.0087%; no homozygotes.

Submissions (3):

ClinGen Leber Congenital Amaurosis/early Onset Retinal Dystrophy Variant Curation Expert Panel, ClinGen
Classification: Likely benign for RPE65-related recessive retinopathy. Last evaluated: 2024-02-20. Review status: reviewed by expert panel. Criteria: ClinGen LCAeoRD ACMG Specifications RPE65 V1.0.0. Collection method: curation. Allele origin: germline. Inheritance: Autosomal recessive inheritance.
Comment: NM_000329.3(RPE65):c.126C>T is a synonymous variant in codon 42, near the center of exon 3. This variant is present in gnomAD v.2.1.1 at a GrpMax allele frequency of 0.00006012, with 13/129178 in the European (Non-Finnish) population, which is lower than the ClinGen LCA / eoRD VCEP PM2_Supporting threshold of <0.0002 (PM2_Supporting). The splicing impact predictor SpliceAI gives a delta score of 0.03 for acceptor gain, which is below the ClinGen LCA / eoRD VCEP recommended threshold of <0.1 and does not predict an impact on splicing (BP4, BP7). In summary, this variant meets the criteria to be classified as likely benign for RPE65-related recessive retinopathy based on the ACMG/AMP criteria applied, as specified by the ClinGen LCA / eoRD VCEP: PM2_Supporting, BP4, BP7. (VCEP specifications version 1.0.0; date of approval 09/21/2023).

Labcorp Genetics (formerly Invitae), Labcorp
Classification: Likely benign for Leber congenital amaurosis 2; Retinitis pigmentosa 20. Last evaluated: 2025-12-23. Review status: criteria provided, single submitter. Criteria: Invitae Variant Classification Sherloc (09022015). Collection method: clinical testing. Allele origin: germline. Not counted in ClinVar's aggregate classification.

Blueprint Genetics
Classification: Likely benign. Last evaluated: 2023-05-19. Review status: criteria provided, single submitter. Criteria: ACMG Guidelines, 2015. Collection method: clinical testing. Allele origin: germline. Not counted in ClinVar's aggregate classification.

NM_000329.3(RPE65):c.126C>T (p.Leu42=)

Gene: RPE65 (retinoid isomerohydrolase RPE65; minus strand). Cytogenetic location: 1p31.3.
Variant type: single nucleotide variant.
Coding change: c.126C>T on transcript NM_000329.3 (MANE Select); coding-DNA position 126, C replaced by T.
Protein change: p.Leu42=; no amino-acid change (leucine 42 retained).
Molecular consequence: synonymous variant.
Genome position (GRCh38, 1-based): chr1:68,446,829, G>A on the plus strand (C>T on the coding strand, the complement: RPE65 is on the minus strand). VCF-style: chr1-68446829-G-A. GRCh37 (hg19) VCF-style: chr1-68912512-G-A.
Other names: NM_000329.3(RPE65):c.126C>T; p.Leu42=.
Identifiers: ClinVar variation 1146046 (VCV001146046.10), dbSNP rs148973921, ClinGen allele CA902589.